The following is an entry in ClinVar:

NM_015046.7(SETX):c.184T>C (p.Trp62Arg)

Gene: SETX (senataxin; minus strand). Cytogenetic location: 9q34.13.
Variant type: single nucleotide variant.
Coding change: c.184T>C on transcript NM_015046.7 (MANE Select); coding-DNA position 184, T replaced by C.
Protein change: p.Trp62Arg; replaces tryptophan 62 with arginine.
Molecular consequence: missense variant.
Genome position (GRCh38, 1-based): chr9:132,346,465, A>G on the plus strand (T>C on the coding strand, the complement: SETX is on the minus strand). VCF-style: chr9-132346465-A-G. GRCh37 (hg19) VCF-style: chr9-135221852-A-G.
Other names: c.184T>C, p.Trp62Arg (NM_001351527.2, NM_001351528.2); short protein forms W62R.
Identifiers: ClinVar variation 4789540 (VCV004789540.1).

ClinVar aggregate classification (germline): Uncertain significance (1 of 4 stars; one submission).

Conditions:
Spinocerebellar ataxia, autosomal recessive, with axonal neuropathy 2 (SCAN2). Also called: ATAXIA-OCULOMOTOR APRAXIA 2; Ataxia with Oculomotor Apraxia; Ataxia-ocular apraxia-2; Ataxia with Oculomotor Apraxia Type 2. Identifiers: Orphanet 64753, MedGen C1853761, MONDO:0018996, OMIM 606002.
Amyotrophic lateral sclerosis type 4 (ALS4). Also called: AMYOTROPHIC LATERAL SCLEROSIS 4, JUVENILE; NEURONOPATHY, DISTAL HEREDITARY MOTOR, WITH PYRAMIDAL FEATURES. Identifiers: Orphanet 357043, MedGen C1865409, MONDO:0011223, OMIM 602433.

Submission:

Labcorp Genetics (formerly Invitae), Labcorp
Classification: Uncertain significance for Amyotrophic lateral sclerosis type 4; Spinocerebellar ataxia, autosomal recessive, with axonal neuropathy 2. Last evaluated: 2025-03-25. Review status: criteria provided, single submitter. Criteria: Invitae Variant Classification Sherloc (09022015). Collection method: clinical testing. Allele origin: germline.
Comment: This sequence change replaces tryptophan, which is neutral and slightly polar, with arginine, which is basic and polar, at codon 62 of the SETX protein (p.Trp62Arg). This variant is not present in population databases (gnomAD no frequency). This variant has not been reported in the literature in individuals affected with SETX-related conditions. Invitae Evidence Modeling of protein sequence and biophysical properties (such as structural, functional, and spatial information, amino acid conservation, physicochemical variation, residue mobility, and thermodynamic stability) has been performed for this missense variant. However, the output from this modeling did not meet the statistical confidence thresholds required to predict the impact of this variant on SETX protein function. In summary, the available evidence is currently insufficient to determine the role of this variant in disease. Therefore, it has been classified as a Variant of Uncertain Significance.